The following is an entry in ClinVar:

ClinVar aggregate classification (germline): Pathogenic (1 of 4 stars; one submission).

Conditions:
Intellectual developmental disorder with speech delay, autism, and dysmorphic facies. Identifiers: MedGen C5231456, MONDO:0032864, OMIM 618672.

Submission:

Institute of Human Genetics, University of Leipzig Medical Center
Classification: Pathogenic for Intellectual developmental disorder with speech delay, autism, and dysmorphic facies. Last evaluated: 2020-09-22. Review status: criteria provided, single submitter. Criteria: ACMG Guidelines, 2015. Collection method: clinical testing. Allele origin: de novo. Affected: yes.
Comment: This variant was identified as de novo (maternity and paternity confirmed).

NM_014516.4(CNOT3):c.929_939del (p.Ser310fs)

Gene: CNOT3 (CCR4-NOT transcription complex subunit 3; plus strand). Cytogenetic location: 19q13.42.
Variant type: Deletion.
Coding change: c.929_939del on transcript NM_014516.4 (MANE Select); coding-DNA positions 929 to 939, 11 bases deleted (GCAACCAGCAC).
Protein change: p.Ser310fs; shifts the reading frame from serine 310.
Molecular consequence: frameshift variant.
Genome position (GRCh38, 1-based): chr19:54,148,182-54,148,192, GCAACCAGCAC deleted. VCF-style (leftmost placement, unchanged base first): chr19-54148181-AGCAACCAGCAC-A. GRCh37 (hg19) VCF-style: chr19-54651916-AGCAACCAGCAC-A.
Other names: short protein forms S310fs.
Identifiers: ClinVar variation 1285584 (VCV001285584.1), dbSNP rs2146638782, ClinGen allele CA2499225601.